The following is an entry in ClinVar:

NM_015047.3(EMC1):c.917A>G (p.His306Arg)

Genes: EMC1 (ER membrane protein complex subunit 1; minus strand), EMC1-AS1 (EMC1 antisense RNA 1; plus strand). Cytogenetic location: 1p36.13.
Variant type: single nucleotide variant.
Coding change: c.917A>G on transcript NM_015047.3 (MANE Select); coding-DNA position 917, A replaced by G.
Protein change: p.His306Arg; replaces histidine 306 with arginine.
Molecular consequence: missense variant.
Genome position (GRCh38, 1-based): chr1:19,239,855, T>C on the plus strand (A>G on the coding strand, the complement: EMC1 is on the minus strand). VCF-style: chr1-19239855-T-C. GRCh37 (hg19) VCF-style: chr1-19566349-T-C.
Other names: c.917A>G, p.His306Arg (NM_001271427.2, NM_001271428.2, NM_001375820.1 and 1 more transcripts); c.851A>G, p.His284Arg (NM_001271429.2); c.917A>G (NM_015047.1); short protein forms H306R, H284R.
Identifiers: ClinVar variation 1954230 (VCV001954230.6), dbSNP rs372581182, ClinGen allele CA652756.
Genomic context (GRCh38, chr1:19,239,855, plus strand): 5'-CAAACCATGTTGCCTGCAGTTACCTGTGGGAAGTTTTTAAGCAAACTCAGCGTTCCATAA[T>C]GGTACTGCAGCAGAGCATAGTGGCTTGGGGACAAGTGCAGGAAGAACTGGGCCCGGGAAG-3'
Protein context (NP_055862.1, residues 296-316): SPSHYALLQY[His306Arg]YGTLSLLKNF

ClinVar aggregate classification (germline): Uncertain significance. Review status: criteria provided, multiple submitters, no conflicts (2 of 4 stars). 2 submissions from 2 submitters: Uncertain significance (2). Last evaluated 2026-01-12.

Conditions:
Inborn genetic diseases. Identifiers: MedGen C0950123, MeSH D030342.

Allele frequency attached by ClinVar (database versions not stated): ESP Exome Variant Server 0.00008; ExAC 0.00001; gnomAD exomes 0.00001.
gnomAD v4.1: 3 of 1,613,976 alleles (0.00019%); highest among the groups gnomAD compares: Admixed American, 0.005%; no homozygotes.

Submissions (2):

Labcorp Genetics (formerly Invitae), Labcorp
Classification: Uncertain significance. Last evaluated: 2026-01-12. Review status: criteria provided, single submitter. Criteria: Invitae Variant Classification Sherloc (09022015). Collection method: clinical testing. Allele origin: germline.
Comment: This sequence change replaces histidine, which is basic and polar, with arginine, which is basic and polar, at codon 306 of the EMC1 protein (p.His306Arg). This variant is present in population databases (rs372581182, gnomAD 0.006%). This variant has not been reported in the literature in individuals affected with EMC1-related conditions. ClinVar contains an entry for this variant (Variation ID: 1954230). Invitae Evidence Modeling of protein sequence and biophysical properties (such as structural, functional, and spatial information, amino acid conservation, physicochemical variation, residue mobility, and thermodynamic stability) indicates that this missense variant is not expected to disrupt EMC1 protein function with a negative predictive value of 80%. In summary, the available evidence is currently insufficient to determine the role of this variant in disease. Therefore, it has been classified as a Variant of Uncertain Significance.

Ambry Genetics
Classification: Uncertain significance for Inborn genetic diseases. Last evaluated: 2025-09-21. Review status: criteria provided, single submitter. Criteria: Ambry Variant Classification Scheme 2023. Collection method: clinical testing. Allele origin: germline.
Comment: The c.917A>G (p.H306R) alteration is located in exon 8 (coding exon 8) of the EMC1 gene. This alteration results from a A to G substitution at nucleotide position 917, causing the histidine (H) at amino acid position 306 to be replaced by an arginine (R). Based on data from gnomAD, the G allele has an overall frequency of 0.001% (3/251136) total alleles studied. The highest observed frequency was 0.006% (2/34492) of Latino alleles. Based on insufficient or conflicting evidence, the clinical significance of this alteration remains unclear.